The following is an entry in ClinVar:

NM_004006.3(DMD):c.3787-833C>T

Gene: DMD (dystrophin; minus strand). Cytogenetic location: Xp21.1.
Variant type: single nucleotide variant.
Coding change: c.3787-833C>T on transcript NM_004006.3 (MANE Select); 833 bases into the intron before coding-DNA position 3787, C replaced by T.
Molecular consequence: intron variant.
Genome position (GRCh38, 1-based): chrX:32,442,147, G>A on the plus strand (C>T on the coding strand, the complement: DMD is on the minus strand). VCF-style: chrX-32442147-G-A. GRCh37 (hg19) VCF-style: chrX-32460264-G-A.
Other names: c.3787-833C>T (NM_004006.2); c.3775-833C>T (NM_004009.3); c.3418-833C>T (NM_004010.3); c.3763-833C>T (NM_000109.4).
Identifiers: ClinVar variation 4949576 (VCV004949576.2).
Genomic context (GRCh38, chrX:32,442,147, plus strand): 5'-ATATAGAAGAAAATATTTCTGACTTTGGCATAGAGAAGAATATCTTAAGTAAGACATCTC[G>A]TAAAAAACTGACCGTAAGAAAAAAGAGATGAATACATTCGACTACATTAAAATTAGGACC-3'

ClinVar aggregate classification (germline): Likely benign. Review status: criteria provided, multiple submitters, no conflicts (2 of 4 stars). 2 submissions from 2 submitters: Likely benign (2). Last evaluated 2026-07-25.

Conditions:
DMD-related disorder. Also called: DMD-related condition.

gnomAD v4.1: 6 of 110,306 alleles (0.0054%); highest among the groups gnomAD compares: African/African-American, 0.0098%; no homozygotes.

Submissions (2):

PreventionGenetics, part of Exact Sciences
Classification: Likely benign for DMD-related condition. Last evaluated: 2026-07-25. Review status: criteria provided, single submitter. Criteria: ACMG Guidelines, 2015. Collection method: clinical testing. Allele origin: germline.
Comment: This variant is classified as likely benign based on ACMG/AMP sequence variant interpretation guidelines (Richards et al. 2015 PMID: 25741868, with internal and published modifications).

Blueprint Genetics
Classification: Likely benign. Last evaluated: 2020-10-15. Review status: criteria provided, single submitter. Criteria: ACMG Guidelines, 2015. Collection method: clinical testing. Allele origin: germline.